The following is an entry in ClinVar:

ClinVar aggregate classification (germline): Likely pathogenic (1 of 4 stars; one submission).

Conditions:
Kleefstra syndrome 2 (KLEFS2). Identifiers: MedGen C4540395, MONDO:0054701, OMIM 617768.

Submission:

3billion
Classification: Likely pathogenic for Kleefstra syndrome 2. Last evaluated: 2021-10-02. Review status: criteria provided, single submitter. Criteria: ACMG Guidelines, 2015. Collection method: clinical testing. Allele origin: unknown. Affected: yes. Observed: 1 heterozygote.
Comment: Canonical splice site: predicted to alter splicing and result in a loss or disruption of normal protein function through nonsense-mediated decay (NMD) or protein truncation. Multiple pathogenic variants are reported downstream of the variant (PVS1_VS). It is not observed in the gnomAD v2.1.1 dataset (PM2). Therefore, this variant is classified as likely pathogenic according to the recommendation of ACMG/AMP guideline.

NM_170606.3(KMT2C):c.11812+2T>C

Gene: KMT2C (lysine methyltransferase 2C; minus strand). Cytogenetic location: 7q36.1.
Variant type: single nucleotide variant.
Coding change: c.11812+2T>C on transcript NM_170606.3 (MANE Select); the canonical splice donor site of the intron after coding-DNA position 11812, T replaced by C.
Molecular consequence: splice donor variant.
Genome position (GRCh38, 1-based): chr7:152,156,203, A>G on the plus strand (T>C on the coding strand, the complement: KMT2C is on the minus strand). VCF-style: chr7-152156203-A-G. GRCh37 (hg19) VCF-style: chr7-151853288-A-G.
Identifiers: ClinVar variation 1320214 (VCV001320214.1), dbSNP rs2129099779, ClinGen allele CA370097862.